The following is an entry in ClinVar:

NM_001379200.1(TBX1):c.1228C>A (p.Arg410Ser)

Gene: TBX1 (T-box transcription factor 1; plus strand). Cytogenetic location: 22q11.21.
Variant type: single nucleotide variant.
Coding change: c.1228C>A on transcript NM_001379200.1 (MANE Select); coding-DNA position 1228, C replaced by A.
Protein change: p.Arg410Ser; replaces arginine 410 with serine.
Molecular consequence: missense variant. On other transcripts: intron variant (2).
Genome position (GRCh38, 1-based): chr22:19,766,580, C>A. VCF-style: chr22-19766580-C-A. GRCh37 (hg19) VCF-style: chr22-19754103-C-A.
Other names: c.1201C>A, p.Arg401Ser (NM_080647.1); c.1009+578C>A (NM_005992.1, NM_080646.2); short protein forms R410S, R401S.
Identifiers: ClinVar variation 2447901 (VCV002447901.2), dbSNP rs1601294272, ClinGen allele CA410684607.

ClinVar aggregate classification (germline): Uncertain significance (1 of 4 stars; one submission).

Conditions:
Cardiovascular phenotype. Identifiers: MedGen CN230736.

Submission:

Ambry Genetics
Classification: Uncertain significance for Cardiovascular phenotype. Last evaluated: 2022-11-15. Review status: criteria provided, single submitter. Criteria: Ambry Variant Classification Scheme 2023. Collection method: clinical testing. Allele origin: germline.
Comment: The p.R401S variant (also known as c.1201C>A), located in coding exon 8 of the TBX1 gene, results from a C to A substitution at nucleotide position 1201. The arginine at codon 401 is replaced by serine, an amino acid with dissimilar properties. This amino acid position is conserved. In addition, the in silico prediction for this alteration is inconclusive. Since supporting evidence is limited at this time, the clinical significance of this alteration remains unclear.